The following is an entry in ClinVar:

NM_001270508.2(TNFAIP3):c.1189_1191dup (p.Ser397_Val398insSer)

Gene: TNFAIP3 (TNF alpha induced protein 3; plus strand). Cytogenetic location: 6q23.3.
Variant type: Duplication.
Coding change: c.1189_1191dup on transcript NM_001270508.2 (MANE Select); coding-DNA positions 1189 to 1191, 3 bases duplicated (TCT; older notation c.1189_1191dupTCT).
Protein change: p.Ser397_Val398insSer.
Genome position (GRCh38, 1-based): chr6:137,878,634-137,878,636, TCT duplicated. VCF-style (leftmost placement, unchanged base first): chr6-137878633-G-GTCT. GRCh37 (hg19) VCF-style: chr6-138199770-G-GTCT.
Other names: c.1189_1191dup, p.Ser397_Val398insSer (NM_001270507.2, NM_006290.4).
Identifiers: ClinVar variation 3772069 (VCV003772069.13).

ClinVar aggregate classification (germline): Uncertain significance (1 of 4 stars; one submission).

Submission:

CeGaT Center for Human Genetics Tuebingen
Classification: Uncertain significance. Last evaluated: 2025-02-01. Review status: criteria provided, single submitter. Criteria: CeGaT Center For Human Genetics Tuebingen Variant Classification Criteria Version 2. Collection method: clinical testing. Allele origin: germline. Affected: yes. Observed: 2 variant alleles.
Comment: TNFAIP3: PM2, PM4:Supporting